The following is an entry in ClinVar:

NM_133433.4(NIPBL):c.6329T>A (p.Phe2110Tyr)

Gene: NIPBL (NIPBL cohesin loading factor; plus strand). Cytogenetic location: 5p13.2.
Variant type: single nucleotide variant.
Coding change: c.6329T>A on transcript NM_133433.4 (MANE Select); coding-DNA position 6329, T replaced by A.
Protein change: p.Phe2110Tyr; replaces phenylalanine 2110 with tyrosine.
Molecular consequence: missense variant.
Genome position (GRCh38, 1-based): chr5:37,044,715, T>A. VCF-style: chr5-37044715-T-A. GRCh37 (hg19) VCF-style: chr5-37044817-T-A.
Other names: c.6329T>A, p.Phe2110Tyr (NM_001438586.1, NM_015384.5); short protein forms F2110Y.
Identifiers: ClinVar variation 4855133 (VCV004855133.1).
Genomic context (GRCh38, chr5:37,044,715, plus strand): 5'-GCTGTCTTGGAGCTGTTGTAAATAAAGTGACACAAAATTTTAAATTTGTGTGGGCTTGTT[T>A]CAATAGATACTATGGTAAGTTCAATACCAGGGTTTTAAAATTATTCTGCTAGGTCCTGCA-3'
Protein context (NP_597677.2, residues 2100-2120): TQNFKFVWAC[Phe2110Tyr]NRYYGAISKL

ClinVar aggregate classification (germline): Uncertain significance (1 of 4 stars; one submission).

Conditions:
Cornelia de Lange syndrome 1 (CDLS1). Also called: NIPBL-Related Cornelia de Lange Syndrome; Brachmann de Lange syndrome; TYPUS DEGENERATIVUS AMSTELODAMENSIS. Identifiers: Orphanet 199, MedGen C4551851, MONDO:0007387, OMIM 122470.

Submission:

3billion
Classification: Uncertain significance for Cornelia de Lange syndrome 1. Last evaluated: 2025-05-21. Review status: criteria provided, single submitter. Criteria: ACMG Guidelines, 2015. Collection method: clinical testing. Allele origin: germline. Affected: yes.
Comment: The variant is not observed in the gnomAD v4.1.0 dataset. Predicted Consequence/Location: Missense variant In silico tool predictions suggest damaging effect of the variant on gene or gene product [3Cnet: 0.98 (> 0.75, sensitivity 0.96 and precision 0.92)]. Therefore, this variant is classified as VUS according to the recommendation of ACMG/AMP guideline.